The following is an entry in ClinVar:

ClinVar aggregate classification (germline): Uncertain significance (1 of 4 stars; one submission).

Submission:

GeneDx
Classification: Uncertain significance. Last evaluated: 2019-07-23. Review status: criteria provided, single submitter. Criteria: GeneDx Variant Classification Process June 2021. Collection method: clinical testing. Allele origin: germline. Affected: yes.
Comment: Not observed in large population cohorts (Lek et al., 2016); In silico analysis, which includes protein predictors and evolutionary conservation, supports that this variant does not alter protein structure/function; Has not been previously published as pathogenic or benign to our knowledge

NM_004859.4(CLTC):c.3170A>C (p.Asn1057Thr)

Gene: CLTC (clathrin heavy chain; plus strand). Cytogenetic location: 17q23.1.
Variant type: single nucleotide variant.
Coding change: c.3170A>C on transcript NM_004859.4 (MANE Select); coding-DNA position 3170, A replaced by C.
Protein change: p.Asn1057Thr; replaces asparagine 1057 with threonine.
Molecular consequence: missense variant.
Genome position (GRCh38, 1-based): chr17:59,681,399, A>C. VCF-style: chr17-59681399-A-C. GRCh37 (hg19) VCF-style: chr17-57758760-A-C.
Other names: c.3182A>C, p.Asn1061Thr (NM_001288653.2); short protein forms N1057T, N1061T.
Identifiers: ClinVar variation 1306896 (VCV001306896.2), dbSNP rs372461487, ClinGen allele CA400417164.